The following is an entry in ClinVar:

NM_014915.3(ANKRD26):c.1726G>T (p.Asp576Tyr)

Gene: ANKRD26 (ankyrin repeat domain containing 26; minus strand). Cytogenetic location: 10p12.1.
Variant type: single nucleotide variant.
Coding change: c.1726G>T on transcript NM_014915.3 (MANE Select); coding-DNA position 1726, G replaced by T.
Protein change: p.Asp576Tyr; replaces aspartic acid 576 with tyrosine.
Molecular consequence: missense variant.
Genome position (GRCh38, 1-based): chr10:27,048,889, C>A on the plus strand (G>T on the coding strand, the complement: ANKRD26 is on the minus strand). VCF-style: chr10-27048889-C-A. GRCh37 (hg19) VCF-style: chr10-27337818-C-A.
Other names: c.1726G>T, p.Asp576Tyr (NM_001256053.2); short protein forms D576Y.
Identifiers: ClinVar variation 3396527 (VCV003396527.1).

ClinVar aggregate classification (germline): Uncertain significance (1 of 4 stars; one submission).

Conditions:
Inborn genetic diseases. Identifiers: MedGen C0950123, MeSH D030342.

gnomAD v4.1: 1 of 1,613,078 alleles (0.000062%); highest among the groups gnomAD compares: Non-Finnish European, 0.000085%; no homozygotes.

Submission:

Ambry Genetics
Classification: Uncertain significance for Inborn genetic diseases. Last evaluated: 2024-10-05. Review status: criteria provided, single submitter. Criteria: Ambry Variant Classification Scheme 2023. Collection method: clinical testing. Allele origin: germline.
Comment: The p.D576Y variant (also known as c.1726G>T), located in coding exon 17 of the ANKRD26 gene, results from a G to T substitution at nucleotide position 1726. The aspartic acid at codon 576 is replaced by tyrosine, an amino acid with highly dissimilar properties. This amino acid position is conserved. In addition, this alteration is predicted to be tolerated by in silico analysis. Based on the available evidence, the clinical significance of this variant remains unclear.